The following is an entry in ClinVar:

ClinVar aggregate classification (germline): Conflicting classifications of pathogenicity. Review status: criteria provided, conflicting classifications (1 of 4 stars). 6 submissions from 5 submitters: Uncertain significance (2); Benign (1); Likely benign (2). 1 of the submissions does not count toward it. Last evaluated 2026-02-01.

Conditions:
CYP4V2-related disorder. Also called: CYP4V2-related condition; CYP4V2-related disorders.
Bietti crystalline corneoretinal dystrophy (BCD). Also called: BIETTI TAPETORETINAL DEGENERATION WITH MARGINAL CORNEAL DYSTROPHY; Bietti Crystalline Dystrophy. Identifiers: Orphanet 41751, MedGen C1859486, MONDO:0008865, OMIM 210370.
Corneal dystrophy. Identifiers: Orphanet 34533, MedGen C0010036, MONDO:0018102, HP:0001131.

Allele frequency attached by ClinVar (database versions not stated): 1000 Genomes Project 0.00040; 1000 Genomes Project 30x 0.00047; gnomAD exomes 0.00133; TOPMed 0.00159; gnomAD 0.00162 and 0.00169; ESP Exome Variant Server 0.00193; ExAC 0.00229.
gnomAD v4.1: 4,017 of 1,593,874 alleles (0.25%); highest among the groups gnomAD compares: Non-Finnish European, 0.33%; 9 homozygotes.

Submissions (6):

Labcorp Genetics (formerly Invitae), Labcorp
Classification: Benign. Last evaluated: 2026-02-01. Review status: criteria provided, single submitter. Criteria: Invitae Variant Classification Sherloc (09022015). Collection method: clinical testing. Allele origin: germline.

Blueprint Genetics
Classification: Likely benign. Last evaluated: 2024-11-26. Review status: criteria provided, single submitter. Criteria: ACMG Guidelines, 2015. Collection method: clinical testing. Allele origin: germline.

CeGaT Center for Human Genetics Tuebingen
Classification: Likely benign. Last evaluated: 2024-03-01. Review status: criteria provided, single submitter. Criteria: CeGaT Center For Human Genetics Tuebingen Variant Classification Criteria Version 2. Collection method: clinical testing. Allele origin: germline. Affected: yes. Observed: 2 variant alleles.
Comment: CYP4V2: BP4, BP7

Illumina Laboratory Services, Illumina
Classification: Uncertain significance for Corneal dystrophy. Last evaluated: 2018-01-12. Review status: criteria provided, single submitter. Criteria: ICSL Variant Classification Criteria 13 December 2019. Collection method: clinical testing. Allele origin: germline.

Illumina Laboratory Services, Illumina
Classification: Uncertain significance for Bietti crystalline corneoretinal dystrophy. Last evaluated: 2018-01-12. Review status: criteria provided, single submitter. Criteria: ICSL Variant Classification Criteria 13 December 2019. Collection method: clinical testing. Allele origin: germline.

PreventionGenetics, part of Exact Sciences
Classification: Likely benign for CYP4V2-related condition. Last evaluated: 2019-09-18. Review status: no assertion criteria provided. Collection method: clinical testing. Allele origin: germline. Not counted in ClinVar's aggregate classification.
Comment: This variant is classified as likely benign based on ACMG/AMP sequence variant interpretation guidelines (Richards et al. 2015 PMID: 25741868, with internal and published modifications).

NM_207352.4(CYP4V2):c.99G>A (p.Leu33=)

Gene: CYP4V2 (cytochrome P450 family 4 subfamily V member 2; plus strand). Cytogenetic location: 4q35.1.
Variant type: single nucleotide variant.
Coding change: c.99G>A on transcript NM_207352.4 (MANE Select); coding-DNA position 99, G replaced by A.
Protein change: p.Leu33=; no amino-acid change (leucine 33 retained).
Molecular consequence: synonymous variant.
Genome position (GRCh38, 1-based): chr4:186,191,922, G>A. VCF-style: chr4-186191922-G-A. GRCh37 (hg19) VCF-style: chr4-187113076-G-A.
Identifiers: ClinVar variation 782095 (VCV000782095.38), dbSNP rs145611966, ClinGen allele CA3162418.